The following is an entry in ClinVar:

NM_002439.5(MSH3):c.2677del (p.Met892_Ile893insTer)

Gene: MSH3 (mutS homolog 3; plus strand). Cytogenetic location: 5q14.1.
Variant type: Deletion.
Coding change: c.2677del on transcript NM_002439.5 (MANE Select); coding-DNA position 2677, one base deleted (A; older notation c.2677delA).
Protein change: p.Met892_Ile893insTer.
Molecular consequence: nonsense.
Genome position (GRCh38, 1-based): chr5:80,813,605, A deleted. VCF-style (leftmost placement, unchanged base first): chr5-80813604-GA-G. GRCh37 (hg19) VCF-style: chr5-80109423-GA-G.
Identifiers: ClinVar variation 4731852 (VCV004731852.1).
Genomic context (GRCh38, chr5:80,813,604, plus strand): 5'-TTTTCTGGTACAATAAGTGAAATTCCTTTCTAATTTTCAGGAGGACTCAGAGAGAGTAAT[GA>G]TAATTACCGGACCAAACATGGGTGGAAAGAGCTCCTACATAAAACAAGTTGCATTGATTA-3'

ClinVar aggregate classification (germline): Pathogenic (1 of 4 stars; one submission).

Submission:

Labcorp Genetics (formerly Invitae), Labcorp
Classification: Pathogenic. Last evaluated: 2025-11-24. Review status: criteria provided, single submitter. Criteria: Invitae Variant Classification Sherloc (09022015). Collection method: clinical testing. Allele origin: germline.
Comment: This sequence change creates a premature translational stop signal (p.Ile893*) in the MSH3 gene. It is expected to result in an absent or disrupted protein product. Loss-of-function variants in MSH3 are known to be pathogenic (PMID: 27476653, 37402566). This variant is not present in population databases (gnomAD no frequency). This variant has not been reported in the literature in individuals affected with MSH3-related conditions. For these reasons, this variant has been classified as Pathogenic.

Literature cited by the submitters: PubMed 27476653; PubMed 37402566.